The following is an entry in ClinVar:

ClinVar aggregate classification (germline): Likely benign (1 of 4 stars; one submission).

Conditions:
KCNJ18-related disorder. Also called: KCNJ18-related condition.

Submission:

PreventionGenetics, part of Exact Sciences
Classification: Likely benign for KCNJ18-related condition. Last evaluated: 2020-01-03. Review status: criteria provided, single submitter. Criteria: ACMG Guidelines, 2015. Collection method: clinical testing. Allele origin: germline.
Comment: This variant is classified as likely benign based on ACMG/AMP sequence variant interpretation guidelines (Richards et al. 2015 PMID: 25741868, with internal and published modifications).

NM_001194958.2(KCNJ18):c.42A>G (p.Ser14=)

Gene: KCNJ18 (potassium inwardly rectifying channel subfamily J member 18; plus strand). Cytogenetic location: 17p11.2.
Variant type: single nucleotide variant.
Coding change: c.42A>G on transcript NM_001194958.2 (MANE Select); coding-DNA position 42, A replaced by G.
Protein change: p.Ser14=; no amino-acid change (serine 14 retained).
Molecular consequence: synonymous variant.
Genome position (GRCh38, 1-based): chr17:21,702,828, A>G. VCF-style: chr17-21702828-A-G.
Identifiers: ClinVar variation 3039589 (VCV003039589.1), dbSNP rs2508024436, ClinGen allele CA2740095301.